The following is an entry in ClinVar:

ClinVar aggregate classification (germline): Conflicting classifications of pathogenicity. Review status: criteria provided, conflicting classifications (1 of 4 stars). 3 submissions from 3 submitters: Uncertain significance (2); Likely benign (1). Last evaluated 2025-12-28.

Conditions:
Hereditary breast ovarian cancer syndrome. Also called: Hereditary breast and ovarian cancer syndrome; BRCA1- and BRCA2-Associated Hereditary Breast and Ovarian Cancer; Breast and ovarian cancer; Hereditary breast and/or ovarian cancer syndrome; Hereditary breast and ovarian cancer; Hereditary breast and ovarian cancer syndrome (HBOC). Identifiers: Orphanet 145, MedGen C0677776, MeSH D061325, MONDO:0003582. Disease mechanism: loss of function.
Hereditary cancer-predisposing syndrome. Also called: Neoplastic Syndromes, Hereditary; Tumor predisposition; Hereditary Cancer Syndrome; Hereditary neoplastic syndrome. Identifiers: Orphanet 140162, MedGen C0027672, MeSH D009386, MONDO:0015356.

Submissions (3):

Labcorp Genetics (formerly Invitae), Labcorp
Classification: Uncertain significance for Hereditary breast ovarian cancer syndrome. Last evaluated: 2025-12-28. Review status: criteria provided, single submitter. Criteria: Invitae Variant Classification Sherloc (09022015). Collection method: clinical testing. Allele origin: germline.
Comment: This sequence change replaces glutamic acid, which is acidic and polar, with glycine, which is neutral and non-polar, at codon 2175 of the BRCA2 protein (p.Glu2175Gly). This variant is not present in population databases (gnomAD no frequency). This variant has not been reported in the literature in individuals affected with BRCA2-related conditions. ClinVar contains an entry for this variant (Variation ID: 233294). Invitae Evidence Modeling of protein sequence and biophysical properties (such as structural, functional, and spatial information, amino acid conservation, physicochemical variation, residue mobility, and thermodynamic stability) indicates that this missense variant is not expected to disrupt BRCA2 protein function with a negative predictive value of 95%. In summary, the available evidence is currently insufficient to determine the role of this variant in disease. Therefore, it has been classified as a Variant of Uncertain Significance.

University of Washington Department of Laboratory Medicine, University of Washington
Classification: Likely benign for Hereditary cancer-predisposing syndrome. Last evaluated: 2023-03-23. Review status: criteria provided, single submitter. Criteria: Dines et al. (Genet Med. 2020). Collection method: curation. Allele origin: germline.
Comment: Missense variant in a coldspot region where missense variants are very unlikely to be pathogenic (PMID:31911673).

BRCA2 exon 11 coldspot. Reclassification based on statistical prior probability.

Ambry Genetics
Classification: Uncertain significance for Hereditary cancer-predisposing syndrome. Last evaluated: 2015-08-04. Review status: criteria provided, single submitter. Criteria: Ambry Variant Classification Scheme 2023. Collection method: clinical testing. Allele origin: germline.
Comment: The p.E2175G variant (also known as c.6524A>G and 6752A>G), located in coding exon 10 of the BRCA2 gene, results from an A to G substitution at nucleotide position 6524. The glutamic acid at codon 2175 is replaced by glycine, an amino acid with similar properties. This variant was not reported in population based cohorts in the following databases: Database of Single Nucleotide Polymorphisms (dbSNP), NHLBI Exome Sequencing Project (ESP), and 1000 Genomes Project. In the ESP, this variant was not observed in 6502 samples (13004 alleles) with coverage at this position. To date, this alteration has been detected with an allele frequency of approximately 0.001% (greater than 150,000 alleles tested) in our clinical cohort. This amino acid position is poorly conserved in available vertebrate species. In addition, the in silico prediction for this alteration is inconclusive. Since supporting evidence is limited at this time, the clinical significance of p.E2175G remains unclear.

NM_000059.4(BRCA2):c.6524A>G (p.Glu2175Gly)

Gene: BRCA2 (BRCA2 DNA repair associated; plus strand). Cytogenetic location: 13q13.1.
Variant type: single nucleotide variant.
Coding change: c.6524A>G on transcript NM_000059.4 (MANE Select); coding-DNA position 6524, A replaced by G.
Protein change: p.Glu2175Gly; replaces glutamic acid 2175 with glycine.
Molecular consequence: missense variant.
Genome position (GRCh38, 1-based): chr13:32,340,879, A>G. VCF-style: chr13-32340879-A-G. GRCh37 (hg19) VCF-style: chr13-32915016-A-G.
Other names: short protein forms E2175G.
Identifiers: ClinVar variation 233294 (VCV000233294.8), dbSNP rs876660314, ClinGen allele CA10579700.